The following is an entry in ClinVar:

NM_018417.6(ADCY10):c.3650G>A (p.Arg1217His)

Gene: ADCY10 (adenylate cyclase 10; minus strand). Cytogenetic location: 1q24.2.
Variant type: single nucleotide variant.
Coding change: c.3650G>A on transcript NM_018417.6 (MANE Select); coding-DNA position 3650, G replaced by A.
Protein change: p.Arg1217His; replaces arginine 1217 with histidine.
Molecular consequence: missense variant.
Genome position (GRCh38, 1-based): chr1:167,829,367, C>T on the plus strand (G>A on the coding strand, the complement: ADCY10 is on the minus strand). VCF-style: chr1-167829367-C-T. GRCh37 (hg19) VCF-style: chr1-167798605-C-T.
Other names: c.3191G>A, p.Arg1064His (NM_001167749.3); c.3374G>A, p.Arg1125His (NM_001297772.2); c.3650G>A (NM_018417.4); short protein forms R1064H, R1125H, R1217H.
Identifiers: ClinVar variation 3015150 (VCV003015150.4), dbSNP rs150230013, ClinGen allele CA1227279.

ClinVar aggregate classification (germline): Uncertain significance. Review status: criteria provided, multiple submitters, no conflicts (2 of 4 stars). 2 submissions from 2 submitters: Uncertain significance (2). Last evaluated 2025-08-20.

Allele frequency attached by ClinVar (database versions not stated): gnomAD exomes 0.00002; 1000 Genomes Project 0.00020; gnomAD 0.00005; ESP Exome Variant Server 0.00015; 1000 Genomes Project 30x 0.00016; ExAC 0.00002; TOPMed 0.00004.
gnomAD v4.1: 45 of 1,614,136 alleles (0.0028%); highest among the groups gnomAD compares: South Asian, 0.011%; 1 homozygote.

Submissions (2):

Ambry Genetics
Classification: Uncertain significance. Last evaluated: 2025-08-20. Review status: criteria provided, single submitter. Criteria: Ambry Variant Classification Scheme 2023. Collection method: clinical testing. Allele origin: germline.

Labcorp Genetics (formerly Invitae), Labcorp
Classification: Uncertain significance. Last evaluated: 2025-06-12. Review status: criteria provided, single submitter. Criteria: Invitae Variant Classification Sherloc (09022015). Collection method: clinical testing. Allele origin: germline.
Comment: This sequence change replaces arginine, which is basic and polar, with histidine, which is basic and polar, at codon 1217 of the ADCY10 protein (p.Arg1217His). This variant is present in population databases (rs150230013, gnomAD 0.01%). This variant has not been reported in the literature in individuals affected with ADCY10-related conditions. ClinVar contains an entry for this variant (Variation ID: 3015150). An algorithm developed to predict the effect of missense changes on protein structure and function (PolyPhen-2) suggests that this variant is likely to be disruptive. In summary, the available evidence is currently insufficient to determine the role of this variant in disease. Therefore, it has been classified as a Variant of Uncertain Significance.